The following is an entry in ClinVar:

ClinVar aggregate classification (germline): Uncertain significance (1 of 4 stars; one submission).

Allele frequency attached by ClinVar (database versions not stated): gnomAD exomes below 0.00001.
gnomAD v4.1: 1 of 1,541,700 alleles (0.000065%); highest among the groups gnomAD compares: Non-Finnish European, 0.000087%; no homozygotes.

Submission:

GeneDx
Classification: Uncertain significance. Last evaluated: 2020-02-12. Review status: criteria provided, single submitter. Criteria: GeneDx Variant Classification Process June 2021. Collection method: clinical testing. Allele origin: germline. Affected: yes.
Comment: Not observed in large population cohorts (Lek et al., 2016); In silico analysis supports that this missense variant does not alter protein structure/function; Has not been previously published as pathogenic or benign to our knowledge

NM_025114.4(CEP290):c.2823G>A (p.Met941Ile)

Gene: CEP290 (centrosomal protein 290; minus strand). Cytogenetic location: 12q21.32.
Variant type: single nucleotide variant.
Coding change: c.2823G>A on transcript NM_025114.4 (MANE Select); coding-DNA position 2823, G replaced by A.
Protein change: p.Met941Ile; replaces methionine 941 with isoleucine.
Molecular consequence: missense variant.
Genome position (GRCh38, 1-based): chr12:88,103,006, C>T on the plus strand (G>A on the coding strand, the complement: CEP290 is on the minus strand). VCF-style: chr12-88103006-C-T. GRCh37 (hg19) VCF-style: chr12-88496783-C-T.
Other names: short protein forms M941I.
Identifiers: ClinVar variation 1315358 (VCV001315358.2), dbSNP rs2137544228, ClinGen allele CA385970078.